The following is an entry in ClinVar:

ClinVar aggregate classification (germline): Uncertain significance. Review status: criteria provided, multiple submitters, no conflicts (2 of 4 stars). 2 submissions from 2 submitters: Uncertain significance (2). Last evaluated 2024-06-24.

Allele frequency attached by ClinVar (database versions not stated): ESP Exome Variant Server 0.00008.
gnomAD v4.1: 26 of 1,607,128 alleles (0.0016%); highest among the groups gnomAD compares: African/African-American, 0.015%; no homozygotes.

Submissions (2):

Blueprint Genetics
Classification: Uncertain significance. Last evaluated: 2024-06-24. Review status: criteria provided, single submitter. Criteria: ACMG Guidelines, 2015. Collection method: clinical testing. Allele origin: germline.

Labcorp Genetics (formerly Invitae), Labcorp
Classification: Uncertain significance. Last evaluated: 2022-11-01. Review status: criteria provided, single submitter. Criteria: Invitae Variant Classification Sherloc (09022015). Collection method: clinical testing. Allele origin: germline.
Comment: In summary, the available evidence is currently insufficient to determine the role of this variant in disease. Therefore, it has been classified as a Variant of Uncertain Significance. Algorithms developed to predict the effect of missense changes on protein structure and function are either unavailable or do not agree on the potential impact of this missense change (SIFT: "Tolerated"; PolyPhen-2: "Not Available"; Align-GVGD: "Class C0"). ClinVar contains an entry for this variant (Variation ID: 1479063). This variant has not been reported in the literature in individuals affected with ARL2BP-related conditions. The frequency data for this variant in the population databases is considered unreliable, as metrics indicate poor data quality at this position in the gnomAD database. This sequence change replaces aspartic acid, which is acidic and polar, with glutamic acid, which is acidic and polar, at codon 2 of the ARL2BP protein (p.Asp2Glu).

NM_012106.4(ARL2BP):c.6C>A (p.Asp2Glu)

Gene: ARL2BP (ARF like GTPase 2 binding protein; plus strand). Cytogenetic location: 16q13.
Variant type: single nucleotide variant.
Coding change: c.6C>A on transcript NM_012106.4 (MANE Select); coding-DNA position 6, C replaced by A.
Protein change: p.Asp2Glu; replaces aspartic acid 2 with glutamic acid.
Molecular consequence: missense variant.
Genome position (GRCh38, 1-based): chr16:57,245,373, C>A. VCF-style: chr16-57245373-C-A. GRCh37 (hg19) VCF-style: chr16-57279285-C-A.
Other names: short protein forms D2E.
Identifiers: ClinVar variation 1479063 (VCV001479063.5), dbSNP rs372559396, ClinGen allele CA8074816.